The following is an entry in ClinVar:

NM_005050.4(ABCD4):c.821T>A (p.Ile274Asn)

Gene: ABCD4 (ATP binding cassette subfamily D member 4; minus strand). Cytogenetic location: 14q24.3.
Variant type: single nucleotide variant.
Coding change: c.821T>A on transcript NM_005050.4 (MANE Select); coding-DNA position 821, T replaced by A.
Protein change: p.Ile274Asn; replaces isoleucine 274 with asparagine.
Molecular consequence: missense variant. On other transcripts: non-coding transcript variant (10).
Genome position (GRCh38, 1-based): chr14:74,292,863, A>T on the plus strand (T>A on the coding strand, the complement: ABCD4 is on the minus strand). VCF-style: chr14-74292863-A-T. GRCh37 (hg19) VCF-style: chr14-74759566-A-T.
Other names: c.695T>A, p.Ile232Asn (NM_001353591.2, NM_001353592.2); c.560T>A, p.Ile187Asn (NM_001353593.2); c.509T>A, p.Ile170Asn (NM_001353594.2); c.407T>A, p.Ile136Asn (NM_001353595.2, NM_001353596.2); c.356T>A, p.Ile119Asn (NM_001353597.2); c.344T>A, p.Ile115Asn (NM_001353598.2, NM_001353599.2, NM_001353600.2 and 2 more transcripts); c.32T>A, p.Ile11Asn (NM_001353602.2, NM_001353603.2, NM_001353604.2 and 6 more transcripts); c.821T>A, p.Ile274Asn (NM_020325.3); short protein forms I115N, I136N, I170N, I232N, I11N, I119N, I274N, I187N.
Identifiers: ClinVar variation 952022 (VCV000952022.9), dbSNP rs2081908223, ClinGen allele CA390384263.
Genomic context (GRCh38, chr14:74,292,863, plus strand): 5'-AAAATGGGGATTGCGATGACAACGTAACTCAGGATGCTGCCCAGATAGTCAAAGGTGTTG[A>T]TGCCGACTGTAGAAAACACATCTGTGAGACACCCAGGAACCATCCACATGCCCTACAGCG-3'
Protein context (NP_005041.1, residues 264-284): MSKELWLYIG[Ile274Asn]NTFDYLGSIL

ClinVar aggregate classification (germline): Uncertain significance (1 of 4 stars; one submission).

Conditions:
Methylmalonic acidemia with homocystinuria, type cblJ (MAHCJ). Also called: METHYLMALONIC ACIDURIA AND HOMOCYSTINURIA, cblJ TYPE. Identifiers: Orphanet 369955, MedGen C3553915, MONDO:0013925, OMIM 614857.

Submission:

Labcorp Genetics (formerly Invitae), Labcorp
Classification: Uncertain significance for Methylmalonic acidemia with homocystinuria, type cblJ. Last evaluated: 2019-06-17. Review status: criteria provided, single submitter. Criteria: Invitae Variant Classification Sherloc (09022015). Collection method: clinical testing. Allele origin: germline.
Comment: This variant is not present in population databases (ExAC no frequency). In summary, the available evidence is currently insufficient to determine the role of this variant in disease. Therefore, it has been classified as a Variant of Uncertain Significance. Algorithms developed to predict the effect of missense changes on protein structure and function are either unavailable or do not agree on the potential impact of this missense change (SIFT: "Deleterious"; PolyPhen-2: "Benign"; Align-GVGD: "Class C0"). This variant has not been reported in the literature in individuals with ABCD4-related conditions. This sequence change replaces isoleucine with asparagine at codon 274 of the ABCD4 protein (p.Ile274Asn). The isoleucine residue is moderately conserved and there is a large physicochemical difference between isoleucine and asparagine.